The following is an entry in ClinVar:

ClinVar aggregate classification (germline): Likely benign. Review status: criteria provided, multiple submitters, no conflicts (2 of 4 stars). 2 submissions from 2 submitters: Likely benign (2). Last evaluated 2025-04-24.

Conditions:
Tuberous sclerosis 1 (TSC1). Identifiers: Orphanet 805, MedGen C1854465, MONDO:0008612, OMIM 191100.

gnomAD v4.1: 1 of 1,613,912 alleles (0.000062%); highest among the groups gnomAD compares: Non-Finnish European, 0.000085%; no homozygotes.

Submissions (2):

Myriad Genetics, Inc.
Classification: Likely benign for Tuberous sclerosis 1. Last evaluated: 2025-04-24. Review status: criteria provided, single submitter. Criteria: Myriad Autosomal Dominant, Autosomal Recessive and X-Linked Classification Criteria (2023). Collection method: clinical testing. Allele origin: unknown.
Comment: This variant is considered likely benign. This variant is intronic and is not expected to impact mRNA splicing.

Labcorp Genetics (formerly Invitae), Labcorp
Classification: Likely benign for Tuberous sclerosis 1. Last evaluated: 2024-06-12. Review status: criteria provided, single submitter. Criteria: Invitae Variant Classification Sherloc (09022015). Collection method: clinical testing. Allele origin: germline.

NM_000368.5(TSC1):c.2041+10T>C

Gene: TSC1 (TSC complex subunit 1; minus strand). Cytogenetic location: 9q34.13.
Variant type: single nucleotide variant.
Coding change: c.2041+10T>C on transcript NM_000368.5 (MANE Select); 10 bases into the intron after coding-DNA position 2041, T replaced by C.
Molecular consequence: intron variant.
Genome position (GRCh38, 1-based): chr9:132,904,401, A>G on the plus strand (T>C on the coding strand, the complement: TSC1 is on the minus strand). VCF-style: chr9-132904401-A-G. GRCh37 (hg19) VCF-style: chr9-135779788-A-G.
Other names: c.1675+10T>C (NM_001406620.1, NM_001406625.1, NM_001406621.1 and 2 more transcripts); c.1678+10T>C (NM_001406618.1, NM_001406617.1, NM_001406619.1 and 5 more transcripts); c.1885+10T>C (NM_001406613.1, NM_001406612.1, NM_001406611.1); c.1888+10T>C (NM_001406610.1, NM_001162427.2); c.1087+10T>C (NM_001406627.1, NM_001406628.1); c.988+10T>C (NM_001406629.1, NM_001406630.1); c.2038+10T>C (NM_001406603.1, NM_001406609.1, NM_001406597.1 and 6 more transcripts); c.2041+10T>C (NM_001406602.1, NM_001406606.1, NM_001406592.1 and 7 more transcripts); and 1 more.
Identifiers: ClinVar variation 3656406 (VCV003656406.3).